The following is an entry in ClinVar:

ClinVar aggregate classification (germline): Pathogenic (1 of 4 stars; one submission).

Conditions:
Retinal disorder. Also called: Retinopathy; Retinopathies; Retinal Diseases; Retinal disorders. Identifiers: MedGen C0035309, MONDO:0005283, HP:0000488.

Submission:

North West Genomic Laboratory Hub, Manchester University NHS Foundation Trust
Classification: Pathogenic for Retinal disorders. Last evaluated: 2025-08-14. Review status: criteria provided, single submitter. Criteria: ACGS Best Practice Guidelines for Variant Classification in Rare Disease 2024. Collection method: clinical testing. Allele origin: germline. Affected: yes.
Comment: PVS1_VStr PM2_Mod

NM_004183.4(BEST1):c.186del (p.Phe62fs)

Gene: BEST1 (bestrophin 1; plus strand). Cytogenetic location: 11q12.3.
Variant type: Deletion.
Coding change: c.186del on transcript NM_004183.4 (MANE Select); coding-DNA position 186, one base deleted (T; older notation c.186delT).
Protein change: p.Phe62fs; shifts the reading frame from phenylalanine 62.
Molecular consequence: frameshift variant. On other transcripts: non-coding transcript variant (1).
Genome position (GRCh38, 1-based): chr11:61,955,140, T deleted; the last of 3 consecutive T bases (chr11:61,955,138-61,955,140); deleting any one gives the same sequence. VCF-style (leftmost placement, unchanged base first): chr11-61955137-GT-G. GRCh37 (hg19) VCF-style: chr11-61722609-GT-G.
Other names: c.6del, p.Phe2fs (NM_001139443.3, NM_001300786.2, NM_001300787.2 and 3 more transcripts); c.186del, p.Phe62fs (NM_001363592.2, NM_001440571.1, NM_001440572.1 and 1 more transcripts); short protein forms F2fs, F62fs.
Identifiers: ClinVar variation 5021448 (VCV005021448.1).